The following is an entry in ClinVar:

NM_004304.5(ALK):c.744A>G (p.Ile248Met)

Gene: ALK (ALK receptor tyrosine kinase; minus strand). Cytogenetic location: 2p23.2.
Variant type: single nucleotide variant.
Coding change: c.744A>G on transcript NM_004304.5 (MANE Select); coding-DNA position 744, A replaced by G.
Protein change: p.Ile248Met; replaces isoleucine 248 with methionine.
Molecular consequence: missense variant.
Genome position (GRCh38, 1-based): chr2:29,717,621, T>C on the plus strand (A>G on the coding strand, the complement: ALK is on the minus strand). VCF-style: chr2-29717621-T-C. GRCh37 (hg19) VCF-style: chr2-29940487-T-C.
Other names: short protein forms I248M.
Identifiers: ClinVar variation 638883 (VCV000638883.11), dbSNP rs1573580109, ClinGen allele CA346587696.

ClinVar aggregate classification (germline): Uncertain significance. Review status: criteria provided, multiple submitters, no conflicts (2 of 4 stars). 2 submissions from 2 submitters: Uncertain significance (2). Last evaluated 2025-07-18.

Conditions:
Neuroblastoma, susceptibility to, 3. Also called: ALK-Related Neuroblastic Tumor Susceptibility. Identifiers: Orphanet 635, MedGen C2751681, MONDO:0013083, OMIM 613014.
Hereditary cancer-predisposing syndrome. Also called: Hereditary Cancer Syndrome; Neoplastic Syndromes, Hereditary; Tumor predisposition; Hereditary neoplastic syndrome. Identifiers: Orphanet 140162, MedGen C0027672, MeSH D009386, MONDO:0015356.

Allele frequency attached by ClinVar (database versions not stated): gnomAD exomes below 0.00001.
gnomAD v4.1: 1 of 1,614,060 alleles (0.000062%); highest among the groups gnomAD compares: East Asian, 0.0022%; no homozygotes.

Submissions (2):

Ambry Genetics
Classification: Uncertain significance for Hereditary cancer-predisposing syndrome. Last evaluated: 2025-07-18. Review status: criteria provided, single submitter. Criteria: Ambry Variant Classification Scheme 2023. Collection method: clinical testing. Allele origin: germline.
Comment: The p.I248M variant (also known as c.744A>G), located in coding exon 2 of the ALK gene, results from an A to G substitution at nucleotide position 744. The isoleucine at codon 248 is replaced by methionine, an amino acid with highly similar properties. This amino acid position is not well conserved in available vertebrate species. In addition, this alteration is predicted to be tolerated by in silico analysis. Based on the available evidence, the clinical significance of this variant remains unclear.

Labcorp Genetics (formerly Invitae), Labcorp
Classification: Uncertain significance for Neuroblastoma, susceptibility to, 3. Last evaluated: 2024-08-07. Review status: criteria provided, single submitter. Criteria: Invitae Variant Classification Sherloc (09022015). Collection method: clinical testing. Allele origin: germline.
Comment: This sequence change replaces isoleucine, which is neutral and non-polar, with methionine, which is neutral and non-polar, at codon 248 of the ALK protein (p.Ile248Met). This variant is not present in population databases (gnomAD no frequency). This variant has not been reported in the literature in individuals affected with ALK-related conditions. ClinVar contains an entry for this variant (Variation ID: 638883). An algorithm developed to predict the effect of missense changes on protein structure and function (PolyPhen-2) suggests that this variant is likely to be tolerated. In summary, the available evidence is currently insufficient to determine the role of this variant in disease. Therefore, it has been classified as a Variant of Uncertain Significance.